The following is an entry in ClinVar:

ClinVar aggregate classification (germline): Likely benign (1 of 4 stars; one submission).

Conditions:
Donnai-Barrow syndrome. Also called: DBS/FOAR SYNDROME; FACIOOCULOACOUSTICORENAL SYNDROME. Identifiers: Orphanet 2143, MedGen C1857277, MONDO:0009104, OMIM 222448.

gnomAD v4.1: 12 of 1,614,248 alleles (0.00074%); highest among the groups gnomAD compares: Non-Finnish European, 0.001%; no homozygotes.

Submission:

Laboratory of Medical Genetics, National & Kapodistrian University of Athens
Classification: Likely benign for Donnai-Barrow syndrome. Last evaluated: 2022-06-27. Review status: criteria provided, single submitter. Criteria: ACMG Guidelines, 2015. Collection method: clinical testing. Allele origin: paternal. Affected: yes.
Comment: PM2, PP3, BS2

NM_004525.3(LRP2):c.3259G>A (p.Asp1087Asn)

Gene: LRP2 (LDL receptor related protein 2; minus strand). Cytogenetic location: 2q31.1.
Variant type: single nucleotide variant.
Coding change: c.3259G>A on transcript NM_004525.3 (MANE Select); coding-DNA position 3259, G replaced by A.
Protein change: p.Asp1087Asn; replaces aspartic acid 1087 with asparagine.
Molecular consequence: missense variant.
Genome position (GRCh38, 1-based): chr2:169,244,864, C>T on the plus strand (G>A on the coding strand, the complement: LRP2 is on the minus strand). VCF-style: chr2-169244864-C-T. GRCh37 (hg19) VCF-style: chr2-170101374-C-T.
Other names: short protein forms D1087N.
Identifiers: ClinVar variation 1708115 (VCV001708115.1), dbSNP rs773452299, ClinGen allele CA349151739.